The following is an entry in ClinVar:

NM_001365068.1(ASTN2):c.2250C>T (p.Cys750=)

Gene: ASTN2 (astrotactin 2; minus strand). Cytogenetic location: 9q33.1.
Variant type: single nucleotide variant.
Coding change: c.2250C>T on transcript NM_001365068.1 (MANE Select); coding-DNA position 2250, C replaced by T.
Protein change: p.Cys750=; no amino-acid change (cysteine 750 retained).
Molecular consequence: synonymous variant.
Genome position (GRCh38, 1-based): chr9:116,805,778, G>A on the plus strand (C>T on the coding strand, the complement: ASTN2 is on the minus strand). VCF-style: chr9-116805778-G-A. GRCh37 (hg19) VCF-style: chr9-119568057-G-A.
Other names: c.2238C>T, p.Cys746= (NM_001365069.1); c.2097C>T, p.Cys699= (NM_014010.5).
Identifiers: ClinVar variation 3035649 (VCV003035649.2), dbSNP rs768754378, ClinGen allele CA5211409.

ClinVar aggregate classification (germline): Likely benign (0 of 4 stars; one submission).

Conditions:
ASTN2-related disorder. Also called: ASTN2-related condition.

Allele frequency attached by ClinVar (database versions not stated): ExAC 0.00001; gnomAD exomes 0.00001.
gnomAD v4.1: 11 of 1,613,904 alleles (0.00068%); highest among the groups gnomAD compares: Middle Eastern, 0.083%; no homozygotes.

Submission:

PreventionGenetics, part of Exact Sciences
Classification: Likely benign for ASTN2-related condition. Last evaluated: 2019-08-12. Review status: no assertion criteria provided. Collection method: clinical testing. Allele origin: germline.
Comment: This variant is classified as likely benign based on ACMG/AMP sequence variant interpretation guidelines (Richards et al. 2015 PMID: 25741868, with internal and published modifications).